The following is an entry in ClinVar:

NM_004959.5(NR5A1):c.250C>T (p.Arg84Cys)

Gene: NR5A1 (nuclear receptor subfamily 5 group A member 1; minus strand). Cytogenetic location: 9q33.3.
Variant type: single nucleotide variant.
Coding change: c.250C>T on transcript NM_004959.5 (MANE Select); coding-DNA position 250, C replaced by T.
Protein change: p.Arg84Cys; replaces arginine 84 with cysteine.
Molecular consequence: missense variant.
Genome position (GRCh38, 1-based): chr9:124,500,710, G>A on the plus strand (C>T on the coding strand, the complement: NR5A1 is on the minus strand). VCF-style: chr9-124500710-G-A. GRCh37 (hg19) VCF-style: chr9-127262989-G-A.
Other names: c.250C>T (NM_004959.4); short protein forms R84C.
Identifiers: ClinVar variation 1256011 (VCV001256011.8), dbSNP rs1832458239, ClinGen allele CA374889133.

ClinVar aggregate classification (germline): Pathogenic/Likely pathogenic. Review status: criteria provided, multiple submitters, no conflicts (2 of 4 stars). 5 submissions from 5 submitters: Pathogenic (2); Likely pathogenic (2). 1 of the submissions does not count toward it. Last evaluated 2026-01-06.

Conditions:
Genetic non-acquired premature ovarian failure. Identifiers: Orphanet 485382, MedGen C5925042.
46,XY sex reversal 3. Also called: NR5A1-related 46,XY complete gonadal dysgenesis; 46,XY SEX REVERSAL, PARTIAL OR COMPLETE, NR5A1-RELATED; 46,XY GONADAL DYSGENESIS, PARTIAL OR COMPLETE, WITH OR WITHOUT ADRENAL FAILURE; DISORDER OF SEX DEVELOPMENT, 46,XY, NR5A1-RELATED; SEX REVERSAL, XY, WITH OR WITHOUT ADRENAL FAILURE. Identifiers: MedGen C3489793, MONDO:0013066, OMIM 612965.
NR5A1-related disorder. Also called: NR5A1-related condition.
Oligosynaptic infertility (SPGF1). Also called: SPERMATOGENIC FAILURE 1; OLIGOCHIASMATIC INFERTILITY. Identifiers: MedGen C0403810, MONDO:0009776, OMIM 258150.
46 XY differences of sex development. Also called: 46, XY disorder of sex development (DSD); 46,XY disorder of sex development. Identifiers: Orphanet 98085, MedGen C2751824, MONDO:0020040.

Allele frequency attached by ClinVar (database versions not stated): gnomAD exomes below 0.00001; TOPMed below 0.00001; gnomAD 0.00001.
gnomAD v4.1: 2 of 1,612,568 alleles (0.00012%); highest among the groups gnomAD compares: African/African-American, 0.0013%; no homozygotes.

Submissions (5):

Labcorp Genetics (formerly Invitae), Labcorp
Classification: Pathogenic for 46 XY differences of sex development; Oligosynaptic infertility. Last evaluated: 2026-01-06. Review status: criteria provided, single submitter. Criteria: Invitae Variant Classification Sherloc (09022015). Collection method: clinical testing. Allele origin: germline.
Comment: This sequence change replaces arginine, which is basic and polar, with cysteine, which is neutral and slightly polar, at codon 84 of the NR5A1 protein (p.Arg84Cys). This variant is not present in population databases (gnomAD no frequency). This missense change has been observed in individuals with autosomal dominant 46, XY disorders of sex development (PMID: 24434652, 30103258). ClinVar contains an entry for this variant (Variation ID: 1256011). Invitae Evidence Modeling of protein sequence and biophysical properties (such as structural, functional, and spatial information, amino acid conservation, physicochemical variation, residue mobility, and thermodynamic stability) indicates that this missense variant is expected to disrupt NR5A1 protein function with a positive predictive value of 95%. Experimental studies have shown that this missense change affects NR5A1 function (PMID: 17656604). This variant disrupts the p.Arg84 amino acid residue in NR5A1. Other variant(s) that disrupt this residue have been determined to be pathogenic (PMID: 17694559, 27899157). This suggests that this residue is clinically significant, and that variants that disrupt this residue are likely to be disease-causing. For these reasons, this variant has been classified as Pathogenic.

PreventionGenetics, part of Exact Sciences
Classification: Likely pathogenic for NR5A1-related condition. Last evaluated: 2025-01-23. Review status: criteria provided, single submitter. Criteria: ACMG Guidelines, 2015. Collection method: clinical testing. Allele origin: germline.
Comment: The NR5A1 c.250C>T variant is predicted to result in the amino acid substitution p.Arg84Cys. This variant has been reported in individuals with 46,XY disorder of sex development (DSD) (Reuter et al. 2007. PubMed ID: 17656604; Bertelloni et al. 2014. PubMed ID: 24434652; Martínez de LaPiscina et al. 2020. PubMed ID: 33202802; Xie et al. 2022. PubMed ID: 35729303; Kouri et al. 2024. PubMed ID: 38168586) and in an individual with premature ovarian insufficiency (Luo et al. 2023. PubMed ID: 36793102). In vitro functional studies have demonstrated that expression of this variant in COS7 cells affects DNA binding ability and transactivation activity (Reuter et al. 2007. PubMed ID: 17656604). This variant has not been reported in a large population database (gnomAD), indicating this variant is rare. A different missense variant impacting the same amino acid (c.251G>A, p.Arg84His) has also been reported in individuals with DSD (Kohler et al. 2008. PubMed ID: 17694559). Taken together, the c.250C>T (p.Arg84Cys) variant is interpreted as likely pathogenic.

GeneDx
Classification: Pathogenic. Last evaluated: 2024-02-07. Review status: criteria provided, single submitter. Criteria: GeneDx Variant Classification Process June 2021. Collection method: clinical testing. Allele origin: germline. Affected: yes.
Comment: Published in vitro functional studies demonstrate decreased DNA binding and transactivation activity (PMID: 17656604); Not observed at significant frequency in large population cohorts (gnomAD); In silico analysis supports that this missense variant has a deleterious effect on protein structure/function; This variant is associated with the following publications: (PMID: 36617173, 26362256, Gaisl12019[Poster], 35729303, 36793102, 24434652, 17656604, 30103258, 33202802, 17694559)

Dept. of Cytogenetics, ICMR- National Institute of Immunohaematology
Classification: Likely pathogenic for 46,XY sex reversal 3. Review status: criteria provided, single submitter. Criteria: ACMG Guidelines, 2015. Collection method: clinical testing. Allele origin: germline. Affected: yes. Observed: 1 heterozygote.

Center for Reproductive Medicine, Shandong Provincial Hospital Affiliated to Shandong University
Classification: Likely pathogenic for Genetic non-acquired premature ovarian failure. Last evaluated: 2019-10-01. Review status: no assertion criteria provided. Collection method: research. Allele origin: unknown. Affected: yes. Observed: 1 variant allele. Not counted in ClinVar's aggregate classification.

Literature cited by the submitters: PubMed 24434652 (cited by Labcorp Genetics (formerly Invitae), Labcorp); PubMed 30103258 (cited by Labcorp Genetics (formerly Invitae), Labcorp); PubMed 17656604 (cited by Labcorp Genetics (formerly Invitae), Labcorp); PubMed 17694559 (cited by Labcorp Genetics (formerly Invitae), Labcorp); PubMed 27899157 (cited by Labcorp Genetics (formerly Invitae), Labcorp).